The following is an entry in ClinVar:

ClinVar aggregate classification (germline): Likely benign (1 of 4 stars; one submission).

Conditions:
PKD1L1-related disorder. Also called: PKD1L1-related condition.

Submission:

PreventionGenetics, part of Exact Sciences
Classification: Likely benign for PKD1L1-related condition. Last evaluated: 2025-07-25. Review status: criteria provided, single submitter. Criteria: ACMG Guidelines, 2015. Collection method: clinical testing. Allele origin: germline.
Comment: This variant is classified as likely benign based on ACMG/AMP sequence variant interpretation guidelines (Richards et al. 2015 PMID: 25741868, with internal and published modifications).

NM_138295.5(PKD1L1):c.3888C>A (p.Gly1296=)

Gene: PKD1L1 (polycystin 1 like 1, transient receptor potential channel interacting; minus strand). Cytogenetic location: 7p12.3.
Variant type: single nucleotide variant.
Coding change: c.3888C>A on transcript NM_138295.5 (MANE Select); coding-DNA position 3888, C replaced by A.
Protein change: p.Gly1296=; no amino-acid change (glycine 1296 retained).
Molecular consequence: synonymous variant.
Genome position (GRCh38, 1-based): chr7:47,873,907, G>T on the plus strand (C>A on the coding strand, the complement: PKD1L1 is on the minus strand). VCF-style: chr7-47873907-G-T. GRCh37 (hg19) VCF-style: chr7-47913505-G-T.
Identifiers: ClinVar variation 5000059 (VCV005000059.1).
Genomic context (GRCh38, chr7:47,873,907, plus strand): 5'-GGAAGAAATACAAATAATGGCTAGGATGTCTGTGTGGCATTGTGTTACTCACAGGTCCTC[G>T]CCCAGACAGTCATTTCCATGGTAGCGGGGCAGCACAGTCACCACCACAGTGCACGGCTGG-3'
Protein context (NP_612152.1, residues 1286-1306): LPRYHGNDCL[Gly1296=]EDLYNSSLKN